The following is an entry in ClinVar:

ClinVar aggregate classification (germline): Likely benign (1 of 4 stars; one submission).

gnomAD v4.1: 47 of 1,606,416 alleles (0.0029%); highest among the groups gnomAD compares: African/African-American, 0.043%; no homozygotes.

Submission:

CeGaT Center for Human Genetics Tuebingen
Classification: Likely benign. Last evaluated: 2026-08-01. Review status: criteria provided, single submitter. Criteria: CeGaT Center For Human Genetics Tuebingen Variant Classification Criteria Version 2. Collection method: clinical testing. Allele origin: germline. Affected: yes. Observed: 1 variant allele.
Comment: SCAF4: BP4, BP7

NM_020706.2(SCAF4):c.597A>G (p.Gln199=)

Gene: SCAF4 (SR-related CTD associated factor 4; minus strand). Cytogenetic location: 21q22.11.
Variant type: single nucleotide variant.
Coding change: c.597A>G on transcript NM_020706.2 (MANE Select); coding-DNA position 597, A replaced by G.
Protein change: p.Gln199=; no amino-acid change (glutamine 199 retained).
Molecular consequence: synonymous variant.
Genome position (GRCh38, 1-based): chr21:31,701,779, T>C on the plus strand (A>G on the coding strand, the complement: SCAF4 is on the minus strand). VCF-style: chr21-31701779-T-C. GRCh37 (hg19) VCF-style: chr21-33074092-T-C.
Other names: c.552A>G, p.Gln184= (NM_001145444.1); c.597A>G, p.Gln199= (NM_001145445.1).
Identifiers: ClinVar variation 5039506 (VCV005039506.1).